The following is an entry in ClinVar:

NC_000005.10:g.112707485C>A

Genes: APC (APC regulator of Wnt signaling pathway; plus strand), LOC129994371 (ATAC-STARR-seq lymphoblastoid active region 22910; plus strand). Cytogenetic location: 5q22.2.
Variant type: single nucleotide variant.
Genome position: GRCh38 VCF-style: chr5-112707485-C-A. GRCh37 (hg19) VCF-style: chr5-112043182-C-A.
Identifiers: ClinVar variation 1008837 (VCV001008837.8), dbSNP rs1333841760, ClinGen allele CA1080214708.

ClinVar aggregate classification (germline): Uncertain significance (1 of 4 stars; one submission).

Conditions:
Familial adenomatous polyposis 1 (FAP1). Also called: FAMILIAL ADENOMATOUS POLYPOSIS 1, ATTENUATED; POLYPOSIS, ADENOMATOUS INTESTINAL. Identifiers: MedGen C2713442, MONDO:0021056, OMIM 175100. Disease mechanism: loss of function.

Submission:

Labcorp Genetics (formerly Invitae), Labcorp
Classification: Uncertain significance for Familial adenomatous polyposis 1. Last evaluated: 2023-02-23. Review status: criteria provided, single submitter. Criteria: Invitae Variant Classification Sherloc (09022015). Collection method: clinical testing. Allele origin: germline.
Comment: This variant occurs in a non-coding region of the APC gene. It does not change the encoded amino acid sequence of the APC protein. This variant is not present in population databases (gnomAD no frequency). This variant has not been reported in the literature in individuals affected with APC-related conditions. Experimental studies and prediction algorithms are not available or were not evaluated, and the functional significance of this variant is currently unknown. In summary, the available evidence is currently insufficient to determine the role of this variant in disease. Therefore, it has been classified as a Variant of Uncertain Significance.